The following is an entry in ClinVar:

NM_001385012.1(NBEA):c.6577G>A (p.Asp2193Asn)

Gene: NBEA (neurobeachin; plus strand). Cytogenetic location: 13q13.3.
Variant type: single nucleotide variant.
Coding change: c.6577G>A on transcript NM_001385012.1 (MANE Select); coding-DNA position 6577, G replaced by A.
Protein change: p.Asp2193Asn; replaces aspartic acid 2193 with asparagine.
Molecular consequence: missense variant.
Genome position (GRCh38, 1-based): chr13:35,472,528, G>A. VCF-style: chr13-35472528-G-A. GRCh37 (hg19) VCF-style: chr13-36046665-G-A.
Other names: c.6568G>A, p.Asp2190Asn (NM_001379245.1); c.6577G>A, p.Asp2193Asn (NM_015678.5); short protein forms D2190N, D2193N.
Identifiers: ClinVar variation 3390800 (VCV003390800.1).

ClinVar aggregate classification (germline): Uncertain significance (1 of 4 stars; one submission).

Submission:

GeneDx
Classification: Uncertain significance. Last evaluated: 2024-06-10. Review status: criteria provided, single submitter. Criteria: GeneDx Variant Classification Process June 2021. Collection method: clinical testing. Allele origin: germline. Affected: yes.
Comment: Not observed at significant frequency in large population cohorts (gnomAD); In silico analysis supports that this missense variant has a deleterious effect on protein structure/function; Has not been previously published as pathogenic or benign to our knowledge